The following is an entry in ClinVar:

ClinVar aggregate classification (germline): Uncertain significance (1 of 4 stars; one submission).

Conditions:
Multiple endocrine neoplasia type 4. Also called: MULTIPLE ENDOCRINE NEOPLASIA, TYPE IV. Identifiers: Orphanet 276152, MedGen C1970712, MONDO:0012552, OMIM 610755.

Submission:

Labcorp Genetics (formerly Invitae), Labcorp
Classification: Uncertain significance for Multiple endocrine neoplasia type 4. Last evaluated: 2024-05-23. Review status: criteria provided, single submitter. Criteria: Invitae Variant Classification Sherloc (09022015). Collection method: clinical testing. Allele origin: germline.
Comment: This variant results in the deletion of part of exon 2 (c.476-6_482del) of the CDKN1B gene. While this variant is not anticipated to result in nonsense mediated decay, it likely alters RNA splicing and results in a disrupted protein product. This variant is not present in population databases (gnomAD no frequency). This variant has not been reported in the literature in individuals affected with CDKN1B-related conditions. ClinVar contains an entry for this variant (Variation ID: 1510411). Variants that disrupt the consensus splice site are a relatively common cause of aberrant splicing (PMID: 17576681, 9536098). In summary, the available evidence is currently insufficient to determine the role of this variant in disease. Therefore, it has been classified as a Variant of Uncertain Significance.

Literature cited by the submitters: PubMed 17576681; PubMed 9536098.

NM_004064.5(CDKN1B):c.476-6_482del

Gene: CDKN1B (cyclin dependent kinase inhibitor 1B; plus strand). Cytogenetic location: 12p13.1.
Variant type: Deletion.
Coding change: c.476-6_482del on transcript NM_004064.5 (MANE Select); 6 bases into the intron before coding-DNA position 476 through coding-DNA position 482, 13 bases deleted (GCTTAGATTCTTC).
Molecular consequence: splice acceptor variant.
Genome position (GRCh38, 1-based): chr12:12,718,819-12,718,831, GCTTAGATTCTTC deleted; deleting any 13 consecutive bases within chr12:12,718,818-12,718,831 gives the same sequence; the c. name uses the placement nearest the transcript's 3' end. VCF-style (leftmost placement, unchanged base first): chr12-12718817-GCGCTTAGATTCTT-G. GRCh37 (hg19) VCF-style: chr12-12871751-GCGCTTAGATTCTT-G.
Identifiers: ClinVar variation 1510411 (VCV001510411.6), dbSNP rs2136357216, ClinGen allele CA2573147867.